The following is an entry in ClinVar:

NM_003748.4(ALDH4A1):c.59C>A (p.Ala20Asp)

Genes: ALDH4A1 (aldehyde dehydrogenase 4 family member A1; minus strand), LOC129929550 (ATAC-STARR-seq lymphoblastoid silent region 346; plus strand). Cytogenetic location: 1p36.13.
Variant type: single nucleotide variant.
Coding change: c.59C>A on transcript NM_003748.4 (MANE Select); coding-DNA position 59, C replaced by A.
Protein change: p.Ala20Asp; replaces alanine 20 with aspartic acid.
Molecular consequence: missense variant.
Genome position (GRCh38, 1-based): chr1:18,902,465, G>T on the plus strand (C>A on the coding strand, the complement: ALDH4A1 is on the minus strand). VCF-style: chr1-18902465-G-T. GRCh37 (hg19) VCF-style: chr1-19228959-G-T.
Other names: c.59C>A, p.Ala20Asp (NM_001319218.2, NM_170726.3); short protein forms A20D.
Identifiers: ClinVar variation 864586 (VCV000864586.10), dbSNP rs1935834310, ClinGen allele CA338769679.
Genomic context (GRCh38, chr1:18,902,465, plus strand): 5'-CAGGCTCCCGGGCCCCAGGCGCGCGCTCGGGCCGCCCCGGGCCCCGTGCTCACTCACCCG[G>T]CCCCGGTCCAGGGGCGGGACAGCAGGGCGCGGCGGAGCGCGGGCGCCGGCAGCAGCATCT-3'
Protein context (NP_003739.2, residues 10-30): RALLSRPWTG[Ala20Asp]GLRWKHTSSL

ClinVar aggregate classification (germline): Uncertain significance (1 of 4 stars; one submission).

Conditions:
Hyperprolinemia type 2 (HYRPRO2). Also called: Delta-1-pyrroline-5-carboxylate dehydrogenase deficiency; Deficiency of pyrroline-5-carboxylate reductase; 1-PYRROLINE-5-CARBOXYLATE DEHYDROGENASE DEFICIENCY. Identifiers: Orphanet 79101, MedGen C2931835, MONDO:0009401, OMIM 239510.

Submission:

Labcorp Genetics (formerly Invitae), Labcorp
Classification: Uncertain significance for Hyperprolinemia type 2. Last evaluated: 2019-03-15. Review status: criteria provided, single submitter. Criteria: Invitae Variant Classification Sherloc (09022015). Collection method: clinical testing. Allele origin: germline.
Comment: This sequence change replaces alanine with aspartic acid at codon 20 of the ALDH4A1 protein (p.Ala20Asp). The alanine residue is weakly conserved and there is a moderate physicochemical difference between alanine and aspartic acid. The frequency data for this variant in the population databases is considered unreliable, as metrics indicate insufficient coverage at this position in the ExAC database. This variant has not been reported in the literature in individuals with ALDH4A1-related conditions. Algorithms developed to predict the effect of missense changes on protein structure and function (SIFT, PolyPhen-2, Align-GVGD) all suggest that this variant is likely to be tolerated, but these predictions have not been confirmed by published functional studies and their clinical significance is uncertain. In summary, the available evidence is currently insufficient to determine the role of this variant in disease. Therefore, it has been classified as a Variant of Uncertain Significance.